The following is an entry in ClinVar:

ClinVar aggregate classification (germline): Uncertain significance (1 of 4 stars; one submission).

gnomAD v4.1: 2 of 398,346 alleles (0.0005%); highest among the groups gnomAD compares: African/African-American, 0.0041%; no homozygotes.

Submission:

Greenwood Genetic Center Diagnostic Laboratories, Greenwood Genetic Center
Classification: Uncertain significance. Last evaluated: 2025-06-17. Review status: criteria provided, single submitter. Criteria: ACMG Guidelines, 2015. Collection method: clinical testing. Allele origin: germline. Affected: yes.
Comment: PM2

NM_001145026.2(PTPRQ):c.508G>T (p.Ala170Ser)

Gene: PTPRQ (protein tyrosine phosphatase receptor type Q; plus strand). Cytogenetic location: 12q21.31.
Variant type: single nucleotide variant.
Coding change: c.508G>T on transcript NM_001145026.2 (MANE Select); coding-DNA position 508, G replaced by T.
Protein change: p.Ala170Ser; replaces alanine 170 with serine.
Molecular consequence: missense variant.
Genome position (GRCh38, 1-based): chr12:80,459,331, G>T. VCF-style: chr12-80459331-G-T. GRCh37 (hg19) VCF-style: chr12-80850846-C-A.
Other names: short protein forms A170S.
Identifiers: ClinVar variation 4538320 (VCV004538320.1).